The following is an entry in ClinVar:

NM_000465.4(BARD1):c.1501G>A (p.Ala501Thr)

Gene: BARD1 (BRCA1 associated RING domain 1; minus strand). Cytogenetic location: 2q35.
Variant type: single nucleotide variant.
Coding change: c.1501G>A on transcript NM_000465.4 (MANE Select); coding-DNA position 1501, G replaced by A.
Protein change: p.Ala501Thr; replaces alanine 501 with threonine.
Molecular consequence: missense variant. On other transcripts: non-coding transcript variant (3), intron variant (3).
Genome position (GRCh38, 1-based): chr2:214,767,549, C>T on the plus strand (G>A on the coding strand, the complement: BARD1 is on the minus strand). VCF-style: chr2-214767549-C-T. GRCh37 (hg19) VCF-style: chr2-215632273-C-T.
Other names: c.1444G>A, p.Ala482Thr (NM_001282543.2); c.159-14994G>A (NM_001282548.2); c.216-14994G>A (NM_001282545.2); c.364+24748G>A (NM_001282549.2); short protein forms A501T, A482T.
Identifiers: ClinVar variation 229754 (VCV000229754.5), dbSNP rs876658174, ClinGen allele CA10577803.

ClinVar aggregate classification (germline): Uncertain significance (1 of 4 stars; one submission).

Conditions:
Hereditary cancer-predisposing syndrome. Also called: Hereditary neoplastic syndrome; Hereditary Cancer Syndrome; Neoplastic Syndromes, Hereditary; Tumor predisposition. Identifiers: Orphanet 140162, MedGen C0027672, MeSH D009386, MONDO:0015356.

Submission:

Ambry Genetics
Classification: Uncertain significance for Hereditary cancer-predisposing syndrome. Last evaluated: 2014-11-30. Review status: criteria provided, single submitter. Criteria: Ambry Variant Classification Scheme 2023. Collection method: clinical testing. Allele origin: germline.
Comment: The p.A501T variant (also known as c.1501G>A), located in coding exon 6 of the BARD1 gene, results from a G to A substitution at nucleotide position 1501. The alanine at codon 501 is replaced by threonine, an amino acid with similar properties. This variant was not reported in population based cohorts in the following databases: Database of Single Nucleotide Polymorphisms (dbSNP), NHLBI Exome Sequencing Project (ESP), and 1000 Genomes Project. In the ESP, this variant was not observed in 6503 samples (13006 alleles) with coverage at this position. To date, this alteration has been detected with an allele frequency of approximately 0.005% (greater than 22000 alleles tested) in our clinical cohort. This amino acid position is highly conserved in available vertebrate species. In addition, this alteration is predicted to be deleterious by in silico analysis. Since supporting evidence is limited at this time, the clinical significance of p.A501T remains unclear.